The following is an entry in ClinVar:

ClinVar aggregate classification (germline): Uncertain significance. Review status: criteria provided, multiple submitters, no conflicts (2 of 4 stars). 7 submissions from 7 submitters: Uncertain significance (7). Last evaluated 2025-04-16.

Conditions:
Hypertrophic cardiomyopathy. Also called: HYPERTROPHIC MYOCARDIOPATHY. Identifiers: Orphanet 217569, MedGen C0007194, MeSH D002312, MONDO:0005045, HP:0001639.
Catecholaminergic polymorphic ventricular tachycardia 1. Also called: RYR2-Related Catecholaminergic Polymorphic Ventricular Tachycardia; VENTRICULAR TACHYCARDIA, CATECHOLAMINERGIC POLYMORPHIC, 1, WITH OR WITHOUT ATRIAL DYSFUNCTION AND/OR DILATED CARDIOMYOPATHY; VENTRICULAR TACHYCARDIA, STRESS-INDUCED POLYMORPHIC 1. Identifiers: Orphanet 3286, MedGen C1631597, MONDO:0011484, OMIM 604772.
Cardiovascular phenotype. Identifiers: MedGen CN230736.
Catecholaminergic polymorphic ventricular tachycardia (CVPT). Also called: Catecholamine-induced polymorphic ventricular tachycardia. Identifiers: Orphanet 3286, MedGen C5574922, MONDO:0017990.
Cardiomyopathy (CMYO). Also called: Cardiomyopathies. Identifiers: Orphanet 167848, MedGen C0878544, MONDO:0004994, HP:0001638. Inheritance: Various modes of inheritance.

Allele frequency attached by ClinVar (database versions not stated): gnomAD 0.00001; ExAC 0.00003; gnomAD exomes 0.00003; TOPMed 0.00003; ESP Exome Variant Server 0.00025.
gnomAD v4.1: 47 of 1,612,530 alleles (0.0029%); highest among the groups gnomAD compares: Non-Finnish European, 0.0039%; no homozygotes.

Submissions (7):

ARUP Laboratories, Molecular Genetics and Genomics, ARUP Laboratories
Classification: Uncertain significance. Last evaluated: 2025-04-16. Review status: criteria provided, single submitter. Criteria: ARUP Molecular Germline Variant Investigation Process 2024. Collection method: clinical testing. Allele origin: germline.
Comment: The RYR2 c.13093G>A; p.Asp4365Asn variant (rs372880584, ClinVar Variation ID: 619281) is reported in the literature in association with hypertrophic cardiomyopathy, although without supporting evidence of causality (Lopes 2015, Robyns 2020). This variant is found in the non-Finnish European population with an allele frequency of 0.007% (8/112,174 alleles) in the Genome Aggregation Database (v2.1.1). Computational analyses are uncertain whether this variant is neutral or deleterious (REVEL: 0.392). Due to limited information, the clinical significance of this variant is uncertain at this time. References: Lopes LR et al. Novel genotype-phenotype associations demonstrated by high-throughput sequencing in patients with hypertrophic cardiomyopathy. Heart. 2015 Feb;101(4):294-301. PMID: 25351510. Robyns T et al. Clinical and ECG variables to predict the outcome of genetic testing in hypertrophic cardiomyopathy. Eur J Med Genet. 2020 Mar;63(3):103754. PMID: 31513939.

Women's Health and Genetics/Laboratory Corporation of America, LabCorp
Classification: Uncertain significance. Last evaluated: 2024-02-27. Review status: criteria provided, single submitter. Criteria: LabCorp Variant Classification Summary - May 2015. Collection method: clinical testing. Allele origin: germline.
Comment: Variant summary: RYR2 c.13093G>A (p.Asp4365Asn) results in a conservative amino acid change located in the Ryanodine Receptor TM 4-6 domain (IPR009460) of the encoded protein sequence. Three of five in-silico tools predict a benign effect of the variant on protein function. The variant allele was found at a frequency of 3.2e-05 in 248058 control chromosomes. The available data on variant occurrences in the general population are insufficient to allow any conclusion about variant significance. c.13093G>A has been reported in the literature in settings of multigene panel testing in individuals affected with Hypertrophic Cardiomyopathy (e.g. Lopes_2015, Robyns_2020). These reports do not provide unequivocal conclusions about association of the variant with Cardiomyopathy. To our knowledge, no experimental evidence demonstrating an impact on protein function has been reported. The following publications have been ascertained in the context of this evaluation (PMID: 31513939, 25351510). ClinVar contains an entry for this variant (Variation ID: 619281). Based on the evidence outlined above, the variant was classified as uncertain significance.

Color Diagnostics, LLC DBA Color Health
Classification: Uncertain significance for Cardiomyopathy. Last evaluated: 2024-01-23. Review status: criteria provided, single submitter. Criteria: ACMG Guidelines, 2015. Collection method: clinical testing. Allele origin: germline.
Comment: This missense variant replaces aspartic acid with asparagine at codon 4365 of the RYR2 protein. Computational prediction suggests that this variant may not impact protein structure and function (internally defined REVEL score threshold <= 0.5, PMID: 27666373). To our knowledge, functional studies have not been reported for this variant. This variant has been reported in two individuals affected with hypertrophic cardiomyopathy (PMID: 25351510, 31513939). This variant has been identified in 8/248058 chromosomes in the general population by the Genome Aggregation Database (gnomAD). The available evidence is insufficient to determine the role of this variant in disease conclusively. Therefore, this variant is classified as a Variant of Uncertain Significance.

All of Us Research Program, National Institutes of Health
Classification: Uncertain significance for Catecholaminergic polymorphic ventricular tachycardia. Last evaluated: 2023-10-02. Review status: criteria provided, single submitter. Criteria: ACMG Guidelines, 2015. Collection method: clinical testing. Allele origin: germline. Inheritance: Autosomal dominant inheritance. Observed: 7 variant alleles, 7 heterozygotes.
Comment: This variant is located in the RYR2 protein. Computational prediction suggests that this variant may not impact protein structure and function (internally defined REVEL score threshold <= 0.5, PMID: 27666373). To our knowledge, functional studies have not been reported for this variant. This variant has not been reported in individuals affected with cardiovascular disorders in the literature. This variant has been identified in 8/248058 chromosomes in the general population by the Genome Aggregation Database (gnomAD). The available evidence is insufficient to determine the role of this variant in disease conclusively. Therefore, this variant is classified as a Variant of Uncertain Significance.

This study involves interpretation of variants in research participants for the purpose of population health screening. Participant phenotype was not available at the time of variant classification. Additional details can be found in publication PMID: 35346344, PMCID: PMC8962531

Ambry Genetics
Classification: Uncertain significance for Cardiovascular phenotype. Last evaluated: 2023-04-06. Review status: criteria provided, single submitter. Criteria: Ambry Variant Classification Scheme 2023. Collection method: clinical testing. Allele origin: germline.
Comment: The p.D4365N variant (also known as c.13093G>A), located in coding exon 90 of the RYR2 gene, results from a G to A substitution at nucleotide position 13093. The aspartic acid at codon 4365 is replaced by asparagine, an amino acid with highly similar properties. This alteration has been reported in association with hypertrophic cardiomyopathy (HCM) cohort (Lopes LR et al. Heart, 2015 Feb;101:294-301; Robyns T et al. Eur J Med Genet, 2020 Mar;63:103754).This amino acid position is highly conserved in available vertebrate species. In addition, this alteration is predicted to be tolerated by in silico analysis. Since supporting evidence is limited at this time, the clinical significance of this alteration remains unclear.

Labcorp Genetics (formerly Invitae), Labcorp
Classification: Uncertain significance for Catecholaminergic polymorphic ventricular tachycardia 1. Last evaluated: 2023-01-13. Review status: criteria provided, single submitter. Criteria: Invitae Variant Classification Sherloc (09022015). Collection method: clinical testing. Allele origin: germline.
Comment: This missense change has been observed in individual(s) with hypertrophic cardiomyopathy (PMID: 31513939). This variant is present in population databases (rs372880584, gnomAD 0.007%). This sequence change replaces aspartic acid, which is acidic and polar, with asparagine, which is neutral and polar, at codon 4365 of the RYR2 protein (p.Asp4365Asn). In summary, the available evidence is currently insufficient to determine the role of this variant in disease. Therefore, it has been classified as a Variant of Uncertain Significance. Advanced modeling of protein sequence and biophysical properties (such as structural, functional, and spatial information, amino acid conservation, physicochemical variation, residue mobility, and thermodynamic stability) performed at Invitae indicates that this missense variant is not expected to disrupt RYR2 protein function. ClinVar contains an entry for this variant (Variation ID: 619281).

Center for Human Genetics, University of Leuven
Classification: Uncertain significance for Hypertrophic cardiomyopathy. Last evaluated: 2018-10-31. Review status: criteria provided, single submitter. Criteria: ACMG Guidelines, 2015. Collection method: clinical testing. Allele origin: germline. Affected: yes.

Literature cited by the submitters: PubMed 25351510 (cited by 3 submitters); PubMed 31513939 (cited by 4 submitters).

NM_001035.3(RYR2):c.13093G>A (p.Asp4365Asn)

Genes: RYR2 (ryanodine receptor 2; plus strand), LOC126806068 (BRD4-independent group 4 enhancer GRCh37_chr1:237947411-237948610; plus strand). Cytogenetic location: 1q43.
Variant type: single nucleotide variant.
Coding change: c.13093G>A on transcript NM_001035.3 (MANE Select); coding-DNA position 13093, G replaced by A.
Protein change: p.Asp4365Asn; replaces aspartic acid 4365 with asparagine.
Molecular consequence: missense variant.
Genome position (GRCh38, 1-based): chr1:237,784,805, G>A. VCF-style: chr1-237784805-G-A. GRCh37 (hg19) VCF-style: chr1-237948105-G-A.
Other names: c.13093G>A, p.Asp4365Asn (LRG_402t1); short protein forms D4365N.
Identifiers: ClinVar variation 619281 (VCV000619281.21), dbSNP rs372880584, ClinGen allele CA085297.